The following is an entry in ClinVar:

NM_017654.4(SAMD9):c.212T>A (p.Phe71Tyr)

Gene: SAMD9 (sterile alpha motif domain containing 9; minus strand). Cytogenetic location: 7q21.2.
Variant type: single nucleotide variant.
Coding change: c.212T>A on transcript NM_017654.4 (MANE Select); coding-DNA position 212, T replaced by A.
Protein change: p.Phe71Tyr; replaces phenylalanine 71 with tyrosine.
Molecular consequence: missense variant.
Genome position (GRCh38, 1-based): chr7:93,105,886, A>T on the plus strand (T>A on the coding strand, the complement: SAMD9 is on the minus strand). VCF-style: chr7-93105886-A-T. GRCh37 (hg19) VCF-style: chr7-92735199-A-T.
Other names: c.212T>A, p.Phe71Tyr (NM_001193307.2); short protein forms F71Y.
Identifiers: ClinVar variation 3437057 (VCV003437057.2).

ClinVar aggregate classification (germline): Uncertain significance. Review status: criteria provided, multiple submitters, no conflicts (2 of 4 stars). 2 submissions from 2 submitters: Uncertain significance (2). Last evaluated 2025-12-02.

Conditions:
Inborn genetic diseases. Identifiers: MedGen C0950123, MeSH D030342.

gnomAD v4.1: 4 of 1,614,044 alleles (0.00025%); highest among the groups gnomAD compares: Non-Finnish European, 0.00034%; no homozygotes.

Submissions (2):

Labcorp Genetics (formerly Invitae), Labcorp
Classification: Uncertain significance. Last evaluated: 2025-12-02. Review status: criteria provided, single submitter. Criteria: Invitae Variant Classification Sherloc (09022015). Collection method: clinical testing. Allele origin: germline.
Comment: This sequence change replaces phenylalanine, which is neutral and non-polar, with tyrosine, which is neutral and polar, at codon 71 of the SAMD9 protein (p.Phe71Tyr). This variant is not present in population databases (gnomAD no frequency). This variant has not been reported in the literature in individuals affected with SAMD9-related conditions. ClinVar contains an entry for this variant (Variation ID: 3437057). Invitae Evidence Modeling of protein sequence and biophysical properties (such as structural, functional, and spatial information, amino acid conservation, physicochemical variation, residue mobility, and thermodynamic stability) indicates that this missense variant is not expected to disrupt SAMD9 protein function with a negative predictive value of 95%. In summary, the available evidence is currently insufficient to determine the role of this variant in disease. Therefore, it has been classified as a Variant of Uncertain Significance.

Ambry Genetics
Classification: Uncertain significance for Inborn genetic diseases. Last evaluated: 2024-11-28. Review status: criteria provided, single submitter. Criteria: Ambry Variant Classification Scheme 2023. Collection method: clinical testing. Allele origin: germline.
Comment: The p.F71Y variant (also known as c.212T>A), located in coding exon 1 of the SAMD9 gene, results from a T to A substitution at nucleotide position 212. The phenylalanine at codon 71 is replaced by tyrosine, an amino acid with highly similar properties. This amino acid position is conserved. In addition, this alteration is predicted to be tolerated by in silico analysis. Based on the available evidence, the clinical significance of this variant remains unclear.